The following is an entry in ClinVar:

NM_004656.4(BAP1):c.1530T>C (p.Pro510=)

Gene: BAP1 (BRCA1 associated deubiquitinase 1; minus strand). Cytogenetic location: 3p21.1.
Variant type: single nucleotide variant.
Coding change: c.1530T>C on transcript NM_004656.4 (MANE Select); coding-DNA position 1530, T replaced by C.
Protein change: p.Pro510=; no amino-acid change (proline 510 retained).
Molecular consequence: synonymous variant.
Genome position (GRCh38, 1-based): chr3:52,403,615, A>G on the plus strand (T>C on the coding strand, the complement: BAP1 is on the minus strand). VCF-style: chr3-52403615-A-G. GRCh37 (hg19) VCF-style: chr3-52437631-A-G.
Other names: c.1476T>C, p.Pro492= (NM_001410772.1); c.1530T>C (NM_004656.3).
Identifiers: ClinVar variation 3379123 (VCV003379123.3).

ClinVar aggregate classification (germline): Benign/Likely benign. Review status: criteria provided, multiple submitters, no conflicts (2 of 4 stars). 3 submissions from 3 submitters: Benign (1); Likely benign (2). Last evaluated 2026-08-11.

Conditions:
BAP1-related tumor predisposition syndrome (TPDS1). Also called: Tumor susceptibility linked to germline BAP1 mutations; COMMON Syndrome; TUMOR PREDISPOSITION SYNDROME 1; BAP1 tumor predisposition syndrome. Identifiers: Orphanet 289539, MedGen C3280492, MONDO:0013692, OMIM 614327.
Hereditary cancer-predisposing syndrome. Also called: Tumor predisposition; Hereditary Cancer Syndrome; Hereditary neoplastic syndrome; Neoplastic Syndromes, Hereditary. Identifiers: Orphanet 140162, MedGen C0027672, MeSH D009386, MONDO:0015356.
BAP1-related disorder. Also called: BAP1-related condition.

Submissions (3):

Ambry Genetics
Classification: Likely benign for Hereditary cancer-predisposing syndrome. Last evaluated: 2026-08-11. Review status: criteria provided, single submitter. Criteria: Ambry Variant Classification Scheme 2023. Collection method: clinical testing. Allele origin: germline.

PreventionGenetics, part of Exact Sciences
Classification: Likely benign for BAP1-related condition. Last evaluated: 2026-01-09. Review status: criteria provided, single submitter. Criteria: ACMG Guidelines, 2015. Collection method: clinical testing. Allele origin: germline.
Comment: This variant is classified as likely benign based on ACMG/AMP sequence variant interpretation guidelines (Richards et al. 2015 PMID: 25741868, with internal and published modifications).

Myriad Genetics, Inc.
Classification: Benign for BAP1-related tumor predisposition syndrome. Last evaluated: 2024-07-16. Review status: criteria provided, single submitter. Criteria: Myriad Autosomal Dominant, Autosomal Recessive and X-Linked Classification Criteria (2023). Collection method: clinical testing. Allele origin: unknown.
Comment: This variant is considered benign. This variant is a silent/synonymous amino acid change and it is not expected to impact splicing.